The following is an entry in ClinVar:

ClinVar aggregate classification (germline): Pathogenic (1 of 4 stars; one submission).

Submission:

Labcorp Genetics (formerly Invitae), Labcorp
Classification: Pathogenic. Last evaluated: 2022-09-01. Review status: criteria provided, single submitter. Criteria: Invitae Variant Classification Sherloc (09022015). Collection method: clinical testing. Allele origin: germline.
Comment: This variant is a gross deletion of the genomic region encompassing exon(s) 9-16 of the PRDM5 gene, which includes the termination codon. This deletion extends beyond the assayed region for this gene and therefore may encompass additional genes. While this deletion is not anticipated to lead to nonsense mediated decay, it is expected to alter mRNA translation or result in a truncated protein product. This variant has not been reported in the literature in individuals affected with PRDM5-related conditions. This variant disrupts a region of the PRDM5 protein in which other variant(s) (deletion exons 9-14 (p.Glu316_Arg541del)) have been determined to be pathogenic (PMID: 21664999). This suggests that this is a clinically significant region of the protein, and that variants that disrupt it are likely to be disease-causing. For these reasons, this variant has been classified as Pathogenic.

Literature cited by the submitters: PubMed 21664999.

NC_000004.11:g.(?_121616266)_(121720920_?)del

Gene: PRDM5 (PR/SET domain 5; minus strand). Cytogenetic location: 4q27.
Variant type: Deletion.
Identifiers: ClinVar variation 2426486 (VCV002426486.3).